The following is an entry in ClinVar:

NM_000038.6(APC):c.-18-1160G>T

Gene: APC (APC regulator of WNT signaling pathway; plus strand). Cytogenetic location: 5q22.2.
Variant type: single nucleotide variant.
Coding change: c.-18-1160G>T on transcript NM_000038.6 (MANE Select); 1160 bases into the intron before 18 bases upstream of the start codon, G replaced by T.
Molecular consequence: intron variant.
Genome position (GRCh38, 1-based): chr5:112,753,713, G>T. VCF-style: chr5-112753713-G-T. GRCh37 (hg19) VCF-style: chr5-112089410-G-T.
Other names: c.-18-1160G>T (NM_001354895.2, NM_001127510.3, NM_001354896.2 and 2 more transcripts); c.166-12613G>T (NM_001354897.2, NM_001354902.2, NM_001127511.3); c.61-12613G>T (NM_001354898.2, NM_001354904.2); c.-1053-1160G>T (NM_001354906.2); c.-42-12613G>T (NM_001354900.2, NM_001354901.2, NM_001354905.2).
Identifiers: ClinVar variation 82362 (VCV000082362.2), dbSNP rs79575641, ClinGen allele CA005997.

ClinVar aggregate classification (germline): other (0 of 4 stars; one submission).

Conditions:
Familial colorectal cancer. Identifiers: MedGen CN280943, MONDO:0023113. Disease mechanism: loss of function.

Allele frequency attached by ClinVar (database versions not stated): TOPMed 0.00001.

Submission:

Systems Biology Platform Zhejiang California International NanoSystems Institute
Classification: other for Familial colorectal cancer. Review status: no assertion criteria provided. Collection method: not provided. Allele origin: unknown.
ClinVar note: Converted during submission from cancer to other.